The following is an entry in ClinVar:

NM_017988.6(SCYL2):c.2233A>G (p.Thr745Ala)

Gene: SCYL2 (SCY1 like pseudokinase 2; plus strand). Cytogenetic location: 12q23.1.
Variant type: single nucleotide variant.
Coding change: c.2233A>G on transcript NM_017988.6 (MANE Select); coding-DNA position 2233, A replaced by G.
Protein change: p.Thr745Ala; replaces threonine 745 with alanine.
Molecular consequence: missense variant.
Genome position (GRCh38, 1-based): chr12:100,338,615, A>G. VCF-style: chr12-100338615-A-G. GRCh37 (hg19) VCF-style: chr12-100732393-A-G.
Other names: c.2233A>G, p.Thr745Ala (NM_001317784.2); c.2245A>G, p.Thr749Ala (NM_001330253.2, NM_001330254.2); c.1726A>G, p.Thr576Ala (NM_001330256.2); short protein forms T576A, T745A, T749A.
Identifiers: ClinVar variation 4981316 (VCV004981316.1).

ClinVar aggregate classification (germline): Likely benign (1 of 4 stars; one submission).

Conditions:
SCYL2-related disorder. Also called: SCYL2-related condition.

gnomAD v4.1: 2,421 of 1,613,912 alleles (0.15%); highest among the groups gnomAD compares: Non-Finnish European, 0.17%; 7 homozygotes.

Submission:

PreventionGenetics, part of Exact Sciences
Classification: Likely benign for SCYL2-related condition. Last evaluated: 2026-01-06. Review status: criteria provided, single submitter. Criteria: ACMG Guidelines, 2015. Collection method: clinical testing. Allele origin: germline.
Comment: This variant is classified as likely benign based on ACMG/AMP sequence variant interpretation guidelines (Richards et al. 2015 PMID: 25741868, with internal and published modifications).